The following is an entry in ClinVar:

ClinVar aggregate classification (germline): Uncertain significance (1 of 4 stars; one submission).

Allele frequency attached by ClinVar (database versions not stated): gnomAD 0.00001; gnomAD exomes 0.00002 and 0.00003; ExAC 0.00005.
gnomAD v4.1: 33 of 1,612,668 alleles (0.002%); highest among the groups gnomAD compares: South Asian, 0.031%; no homozygotes.

Submission:

Labcorp Genetics (formerly Invitae), Labcorp
Classification: Uncertain significance. Last evaluated: 2024-12-07. Review status: criteria provided, single submitter. Criteria: Invitae Variant Classification Sherloc (09022015). Collection method: clinical testing. Allele origin: germline.
Comment: This sequence change replaces histidine, which is basic and polar, with tyrosine, which is neutral and polar, at codon 348 of the ACO2 protein (p.His348Tyr). This variant is present in population databases (rs771610089, gnomAD 0.03%). This variant has not been reported in the literature in individuals affected with ACO2-related conditions. ClinVar contains an entry for this variant (Variation ID: 1358004). Invitae Evidence Modeling of protein sequence and biophysical properties (such as structural, functional, and spatial information, amino acid conservation, physicochemical variation, residue mobility, and thermodynamic stability) indicates that this missense variant is not expected to disrupt ACO2 protein function with a negative predictive value of 80%. In summary, the available evidence is currently insufficient to determine the role of this variant in disease. Therefore, it has been classified as a Variant of Uncertain Significance.

NM_001098.3(ACO2):c.1042C>T (p.His348Tyr)

Gene: ACO2 (aconitase 2; plus strand). Cytogenetic location: 22q13.2.
Variant type: single nucleotide variant.
Coding change: c.1042C>T on transcript NM_001098.3 (MANE Select); coding-DNA position 1042, C replaced by T.
Protein change: p.His348Tyr; replaces histidine 348 with tyrosine.
Molecular consequence: missense variant.
Genome position (GRCh38, 1-based): chr22:41,520,180, C>T. VCF-style: chr22-41520180-C-T. GRCh37 (hg19) VCF-style: chr22-41916184-C-T.
Other names: short protein forms H348Y.
Identifiers: ClinVar variation 1358004 (VCV001358004.8), dbSNP rs771610089, ClinGen allele CA10257557.